The following is an entry in ClinVar:

NM_001197104.2(KMT2A):c.9059G>C (p.Gly3020Ala)

Gene: KMT2A (lysine methyltransferase 2A; plus strand). Cytogenetic location: 11q23.3.
Variant type: single nucleotide variant.
Coding change: c.9059G>C on transcript NM_001197104.2 (MANE Select); coding-DNA position 9059, G replaced by C.
Protein change: p.Gly3020Ala; replaces glycine 3020 with alanine.
Molecular consequence: missense variant.
Genome position (GRCh38, 1-based): chr11:118,504,951, G>C. VCF-style: chr11-118504951-G-C. GRCh37 (hg19) VCF-style: chr11-118375666-G-C.
Other names: c.9050G>C, p.Gly3017Ala (NM_005933.4); short protein forms G3017A, G3020A.
Identifiers: ClinVar variation 1507129 (VCV001507129.8), dbSNP rs782595300, ClinGen allele CA6304550.

ClinVar aggregate classification (germline): Uncertain significance (1 of 4 stars; one submission).

Allele frequency attached by ClinVar (database versions not stated): gnomAD exomes below 0.00001 and 0.00002; ExAC 0.00001; TOPMed 0.00001; gnomAD 0.00002.
gnomAD v4.1: 28 of 1,614,014 alleles (0.0017%); highest among the groups gnomAD compares: Non-Finnish European, 0.0024%; no homozygotes.

Submission:

Labcorp Genetics (formerly Invitae), Labcorp
Classification: Uncertain significance. Last evaluated: 2025-12-15. Review status: criteria provided, single submitter. Criteria: Invitae Variant Classification Sherloc (09022015). Collection method: clinical testing. Allele origin: germline.
Comment: This sequence change replaces glycine, which is neutral and non-polar, with alanine, which is neutral and non-polar, at codon 3020 of the KMT2A protein (p.Gly3020Ala). This variant is present in population databases (rs782595300, gnomAD 0.0009%). This variant has not been reported in the literature in individuals affected with KMT2A-related conditions. ClinVar contains an entry for this variant (Variation ID: 1507129). Invitae Evidence Modeling of protein sequence and biophysical properties (such as structural, functional, and spatial information, amino acid conservation, physicochemical variation, residue mobility, and thermodynamic stability) indicates that this missense variant is not expected to disrupt KMT2A protein function with a negative predictive value of 95%. In summary, the available evidence is currently insufficient to determine the role of this variant in disease. Therefore, it has been classified as a Variant of Uncertain Significance.